The following is an entry in ClinVar:

ClinVar aggregate classification (germline): Benign. Review status: criteria provided, multiple submitters, no conflicts (2 of 4 stars). 6 submissions from 6 submitters: Benign (6). Last evaluated 2026-02-04.

Conditions:
Osteogenesis imperfecta type 13. Also called: OI, TYPE XIII; Osteogenesis imperfecta, type xiii. Identifiers: Orphanet 666, MedGen C3553887, MONDO:0013924, OMIM 614856.
Osteogenesis imperfecta (OI). Identifiers: Orphanet 666, MedGen C0029434, MeSH D010013, MONDO:0019019.

Allele frequency attached by ClinVar (database versions not stated): gnomAD exomes 0.00293 and 0.00798; ExAC 0.01004; gnomAD 0.03151 and 0.03417; 1000 Genomes Project 0.03415; ESP Exome Variant Server 0.03529; TOPMed 0.03614; 1000 Genomes Project 30x 0.03670.
gnomAD v4.1: 9,259 of 1,613,802 alleles (0.57%); highest among the groups gnomAD compares: African/African-American, 11%; 484 homozygotes.

Submissions (6):

Labcorp Genetics (formerly Invitae), Labcorp
Classification: Benign. Last evaluated: 2026-02-04. Review status: criteria provided, single submitter. Criteria: Invitae Variant Classification Sherloc (09022015). Collection method: clinical testing. Allele origin: germline.

Mayo Clinic Laboratories, Mayo Clinic
Classification: Benign. Last evaluated: 2023-03-19. Review status: criteria provided, single submitter. Criteria: ACMG Guidelines, 2015. Collection method: clinical testing. Allele origin: germline. Observed: 10 variant alleles.

Genome Diagnostics Laboratory, The Hospital for Sick Children
Classification: Benign for Osteogenesis imperfecta. Last evaluated: 2022-03-31. Review status: criteria provided, single submitter. Criteria: ACMG Guidelines, 2015. Collection method: clinical testing. Allele origin: germline.

Illumina Laboratory Services, Illumina
Classification: Benign for Osteogenesis imperfecta type 13. Last evaluated: 2018-01-13. Review status: criteria provided, single submitter. Criteria: ICSL Variant Classification Criteria 13 December 2019. Collection method: clinical testing. Allele origin: germline.
Comment: This variant was observed in the ICSL laboratory as part of a predisposition screen in an ostensibly healthy population. It had not been previously curated by ICSL or reported in the Human Gene Mutation Database (HGMD: prior to June 1st, 2018), and was therefore a candidate for classification through an automated scoring system. Utilizing variant allele frequency, disease prevalence and penetrance estimates, and inheritance mode, an automated score was calculated to assess if this variant is too frequent to cause the disease. Based on the score and internal cut-off values, a variant classified as benign is not then subjected to further curation. The score for this variant resulted in a classification of benign for this disease.

GeneDx
Classification: Benign. Last evaluated: 2017-08-24. Review status: criteria provided, single submitter. Criteria: GeneDx Variant Classification (06012015). Collection method: clinical testing. Allele origin: germline. Affected: yes.
Comment: This variant is considered likely benign or benign based on one or more of the following criteria: it is a conservative change, it occurs at a poorly conserved position in the protein, it is predicted to be benign by multiple in silico algorithms, and/or has population frequency not consistent with disease.

Breakthrough Genomics
Classification: Benign. Review status: criteria provided, single submitter. Criteria: ACMG Guidelines, 2015. Collection method: not provided. Allele origin: germline. Inheritance: Autosomal recessive inheritance. Affected: yes.

NM_006129.5(BMP1):c.2205C>G (p.Leu735=)

Gene: BMP1 (bone morphogenetic protein 1; plus strand). Cytogenetic location: 8p21.3.
Variant type: single nucleotide variant.
Coding change: c.2205C>G on transcript NM_006129.5 (MANE Select); coding-DNA position 2205, C replaced by G.
Protein change: p.Leu735=; no amino-acid change (leucine 735 retained).
Molecular consequence: synonymous variant. On other transcripts: non-coding transcript variant (1).
Genome position (GRCh38, 1-based): chr8:22,201,900, C>G. VCF-style: chr8-22201900-C-G. GRCh37 (hg19) VCF-style: chr8-22059413-C-G.
Other names: p.Leu735=.
Identifiers: ClinVar variation 362593 (VCV000362593.17), dbSNP rs28710878, ClinGen allele CA4665153.
Genomic context (GRCh38, chr8:22,201,900, plus strand): 5'-GCAGGACTGCGTCAACACGTTCGGCAGTTATGAGTGCCAATGCCGCAGTGGCTTCGTCCT[C>G]CATGACAACAAGCACGACTGCAAAGAAGGTACGGGCTGCATGCCAGGGGCATCTGGGCTT-3'
Protein context (NP_006120.1, residues 725-745): YECQCRSGFV[Leu735=]HDNKHDCKEA